The following is an entry in ClinVar:

NM_032119.4(ADGRV1):c.9068G>T (p.Arg3023Met)

Gene: ADGRV1 (adhesion G protein-coupled receptor V1; plus strand). Cytogenetic location: 5q14.3.
Variant type: single nucleotide variant.
Coding change: c.9068G>T on transcript NM_032119.4 (MANE Select); coding-DNA position 9068, G replaced by T.
Protein change: p.Arg3023Met; replaces arginine 3023 with methionine.
Molecular consequence: missense variant. On other transcripts: non-coding transcript variant (1).
Genome position (GRCh38, 1-based): chr5:90,712,312, G>T. VCF-style: chr5-90712312-G-T. GRCh37 (hg19) VCF-style: chr5-90008129-G-T.
Other names: short protein forms R3023M.
Identifiers: ClinVar variation 843476 (VCV000843476.11), dbSNP rs1426031335, ClinGen allele CA360396168.

ClinVar aggregate classification (germline): Uncertain significance. Review status: criteria provided, multiple submitters, no conflicts (2 of 4 stars). 2 submissions from 2 submitters: Uncertain significance (2). Last evaluated 2026-06-10.

Allele frequency attached by ClinVar (database versions not stated): gnomAD exomes below 0.00001.
gnomAD v4.1: 3 of 1,548,706 alleles (0.00019%); highest among the groups gnomAD compares: Admixed American, 0.0019%; no homozygotes.

Submissions (2):

GeneDx
Classification: Uncertain significance. Last evaluated: 2026-06-10. Review status: criteria provided, single submitter. Criteria: GeneDx Variant Classification Process June 2021. Collection method: clinical testing. Allele origin: germline.
Comment: In silico analysis supports that this missense variant has a deleterious effect on protein structure/function; Has not been previously published as pathogenic or benign to our knowledge

Labcorp Genetics (formerly Invitae), Labcorp
Classification: Uncertain significance. Last evaluated: 2024-10-08. Review status: criteria provided, single submitter. Criteria: Invitae Variant Classification Sherloc (09022015). Collection method: clinical testing. Allele origin: germline.
Comment: This sequence change replaces arginine, which is basic and polar, with methionine, which is neutral and non-polar, at codon 3023 of the ADGRV1 protein (p.Arg3023Met). The frequency data for this variant in the population databases is considered unreliable, as metrics indicate poor data quality at this position in the gnomAD database. This variant has not been reported in the literature in individuals affected with ADGRV1-related conditions. ClinVar contains an entry for this variant (Variation ID: 843476). Invitae Evidence Modeling of protein sequence and biophysical properties (such as structural, functional, and spatial information, amino acid conservation, physicochemical variation, residue mobility, and thermodynamic stability) indicates that this missense variant is not expected to disrupt ADGRV1 protein function with a negative predictive value of 95%. In summary, the available evidence is currently insufficient to determine the role of this variant in disease. Therefore, it has been classified as a Variant of Uncertain Significance.